The following is an entry in ClinVar:

ClinVar aggregate classification (germline): Pathogenic (1 of 4 stars; one submission).

Conditions:
Sitosterolemia (STSL). Also called: PHYTOSTEROLEMIA. Identifiers: Orphanet 2882, MedGen C0342907, MONDO:0008863.

Submission:

Labcorp Genetics (formerly Invitae), Labcorp
Classification: Pathogenic for Sitosterolemia. Last evaluated: 2022-09-28. Review status: criteria provided, single submitter. Criteria: Invitae Variant Classification Sherloc (09022015). Collection method: clinical testing. Allele origin: germline.
Comment: For these reasons, this variant has been classified as Pathogenic. This variant disrupts a region of the ABCG5 protein in which other variant(s) (p.Ile639*) have been determined to be pathogenic (PMID: 30697800, 34969652). This suggests that this is a clinically significant region of the protein, and that variants that disrupt it are likely to be disease-causing. This variant has not been reported in the literature in individuals affected with ABCG5-related conditions. This variant is a gross deletion of the genomic region encompassing exon(s) 12-13 of the ABCG5 gene, which includes the termination codon. This deletion extends beyond the assayed region for this gene and therefore may encompass additional genes. While this deletion is not anticipated to lead to nonsense mediated decay, it is expected to alter mRNA translation or result in a truncated protein product.

Literature cited by the submitters: PubMed 30697800; PubMed 34969652.

NC_000002.11:g.(?_44040255)_(44041748_?)del

Gene: ABCG5 (ATP binding cassette subfamily G member 5; minus strand). Cytogenetic location: 2p21.
Variant type: Deletion.
Identifiers: ClinVar variation 1514001 (VCV001514001.5).